The following is an entry in ClinVar:

ClinVar aggregate classification (germline): Likely pathogenic (1 of 4 stars; one submission).

Allele frequency attached by ClinVar (database versions not stated): TOPMed below 0.00001; gnomAD 0.00001.
gnomAD v4.1: 1 of 1,613,072 alleles (0.000062%); highest among the groups gnomAD compares: Non-Finnish European, 0.000085%; no homozygotes.

Submission:

Labcorp Genetics (formerly Invitae), Labcorp
Classification: Likely pathogenic. Last evaluated: 2024-10-03. Review status: criteria provided, single submitter. Criteria: Invitae Variant Classification Sherloc (09022015). Collection method: clinical testing. Allele origin: germline.
Comment: This sequence change affects an acceptor splice site in intron 13 of the FERMT1 gene. It is expected to disrupt RNA splicing. Variants that disrupt the donor or acceptor splice site typically lead to a loss of protein function (PMID: 16199547), and loss-of-function variants in FERMT1 are known to be pathogenic (PMID: 14962093, 21936020). This variant is not present in population databases (gnomAD no frequency). Disruption of this splice site has been observed in individual(s) with Kindler syndrome (PMID: 16675959). ClinVar contains an entry for this variant (Variation ID: 1500008). Algorithms developed to predict the effect of sequence changes on RNA splicing suggest that this variant may disrupt the consensus splice site. In summary, the currently available evidence indicates that the variant is pathogenic, but additional data are needed to prove that conclusively. Therefore, this variant has been classified as Likely Pathogenic.

Literature cited by the submitters: PubMed 16199547; PubMed 14962093; PubMed 21936020; PubMed 16675959.

NM_017671.5(FERMT1):c.1719-1G>A

Gene: FERMT1 (FERM domain containing kindlin 1; minus strand). Cytogenetic location: 20p12.3.
Variant type: single nucleotide variant.
Coding change: c.1719-1G>A on transcript NM_017671.5 (MANE Select); the canonical splice acceptor site of the intron before coding-DNA position 1719, G replaced by A.
Molecular consequence: splice acceptor variant.
Genome position (GRCh38, 1-based): chr20:6,079,578, C>T on the plus strand (G>A on the coding strand, the complement: FERMT1 is on the minus strand). VCF-style: chr20-6079578-C-T. GRCh37 (hg19) VCF-style: chr20-6060225-C-T.
Identifiers: ClinVar variation 1500008 (VCV001500008.8), dbSNP rs1324272731, ClinGen allele CA408176482.